The following is an entry in ClinVar:

ClinVar aggregate classification (germline): Uncertain significance (1 of 4 stars; one submission).

Allele frequency attached by ClinVar (database versions not stated): ExAC 0.00002; TOPMed 0.00002.
gnomAD v4.1: 64 of 1,612,760 alleles (0.004%); highest among the groups gnomAD compares: Non-Finnish European, 0.0051%; no homozygotes.

Submission:

Labcorp Genetics (formerly Invitae), Labcorp
Classification: Uncertain significance. Last evaluated: 2024-02-23. Review status: criteria provided, single submitter. Criteria: Invitae Variant Classification Sherloc (09022015). Collection method: clinical testing. Allele origin: germline.
Comment: This sequence change replaces glycine, which is neutral and non-polar, with aspartic acid, which is acidic and polar, at codon 160 of the GUF1 protein (p.Gly160Asp). This variant is present in population databases (rs759790794, gnomAD 0.006%). This variant has not been reported in the literature in individuals affected with GUF1-related conditions. ClinVar contains an entry for this variant (Variation ID: 1401393). Advanced modeling of protein sequence and biophysical properties (such as structural, functional, and spatial information, amino acid conservation, physicochemical variation, residue mobility, and thermodynamic stability) performed at Invitae indicates that this missense variant is expected to disrupt GUF1 protein function with a positive predictive value of 80%. In summary, the available evidence is currently insufficient to determine the role of this variant in disease. Therefore, it has been classified as a Variant of Uncertain Significance.

NM_021927.3(GUF1):c.479G>A (p.Gly160Asp)

Gene: GUF1 (GTP binding elongation factor GUF1; plus strand). Cytogenetic location: 4p12.
Variant type: single nucleotide variant.
Coding change: c.479G>A on transcript NM_021927.3 (MANE Select); coding-DNA position 479, G replaced by A.
Protein change: p.Gly160Asp; replaces glycine 160 with aspartic acid.
Molecular consequence: missense variant. On other transcripts: 5 prime UTR variant (2).
Genome position (GRCh38, 1-based): chr4:44,681,175, G>A. VCF-style: chr4-44681175-G-A. GRCh37 (hg19) VCF-style: chr4-44683192-G-A.
Other names: c.-490G>A (NM_001345867.2); c.479G>A, p.Gly160Asp (NM_001345868.2); c.-494G>A (NM_001345869.2); short protein forms G160D.
Identifiers: ClinVar variation 1401393 (VCV001401393.9), dbSNP rs759790794, ClinGen allele CA2905302.